The following is an entry in ClinVar:

ClinVar aggregate classification (germline): Benign/Likely benign. Review status: criteria provided, multiple submitters, no conflicts (2 of 4 stars). 4 submissions from 4 submitters: Benign (1); Likely benign (3). Last evaluated 2025-07-31.

Conditions:
Familial adenomatous polyposis 1 (FAP1). Also called: FAMILIAL ADENOMATOUS POLYPOSIS 1, ATTENUATED; POLYPOSIS, ADENOMATOUS INTESTINAL. Identifiers: MedGen C2713442, MONDO:0021056, OMIM 175100. Disease mechanism: loss of function.
Hereditary cancer-predisposing syndrome. Also called: Neoplastic Syndromes, Hereditary; Tumor predisposition; Hereditary Cancer Syndrome; Hereditary neoplastic syndrome. Identifiers: Orphanet 140162, MedGen C0027672, MeSH D009386, MONDO:0015356.

gnomAD v4.1: 2 of 1,614,150 alleles (0.00012%); highest among the groups gnomAD compares: Admixed American, 0.0017%; no homozygotes.

Submissions (4):

Labcorp Genetics (formerly Invitae), Labcorp
Classification: Likely benign for Familial adenomatous polyposis 1. Last evaluated: 2025-07-31. Review status: criteria provided, single submitter. Criteria: Invitae Variant Classification Sherloc (09022015). Collection method: clinical testing. Allele origin: germline.

Myriad Genetics, Inc.
Classification: Benign for Familial adenomatous polyposis 1. Last evaluated: 2024-03-15. Review status: criteria provided, single submitter. Criteria: Myriad Autosomal Dominant, Autosomal Recessive and X-Linked Classification Criteria (2023). Collection method: clinical testing. Allele origin: unknown.
Comment: This variant is considered benign. This variant is a silent/synonymous amino acid change and it is not expected to impact splicing.

Women's Health and Genetics/Laboratory Corporation of America, LabCorp
Classification: Likely benign. Last evaluated: 2019-08-20. Review status: criteria provided, single submitter. Criteria: LabCorp Variant Classification Summary - May 2015. Collection method: clinical testing. Allele origin: germline.

Ambry Genetics
Classification: Likely benign for Hereditary cancer-predisposing syndrome. Last evaluated: 2015-03-04. Review status: criteria provided, single submitter. Criteria: Ambry Variant Classification Scheme 2023. Collection method: clinical testing. Allele origin: germline.

NM_000038.6(APC):c.2775C>T (p.Ser925=)

Gene: APC (APC regulator of Wnt signaling pathway; plus strand). Cytogenetic location: 5q22.2.
Variant type: single nucleotide variant.
Coding change: c.2775C>T on transcript NM_000038.6 (MANE Select); coding-DNA position 2775, C replaced by T.
Protein change: p.Ser925=; no amino-acid change (serine 925 retained).
Molecular consequence: synonymous variant.
Genome position (GRCh38, 1-based): chr5:112,838,369, C>T. VCF-style: chr5-112838369-C-T. GRCh37 (hg19) VCF-style: chr5-112174066-C-T.
Other names: c.2775C>T, p.Ser925= (NM_001127510.3, NM_001354895.2); c.2721C>T, p.Ser907= (NM_001127511.3); c.2829C>T, p.Ser943= (NM_001354896.2); c.2805C>T, p.Ser935= (NM_001354897.2); c.2700C>T, p.Ser900= (NM_001354898.2); c.2691C>T, p.Ser897= (NM_001354899.2); c.2652C>T, p.Ser884= (NM_001354900.2); c.2598C>T, p.Ser866= (NM_001354901.2); and 5 more.
Identifiers: ClinVar variation 230742 (VCV000230742.17), dbSNP rs864622701, ClinGen allele CA10578344.